The following is an entry in ClinVar:

NM_006206.6(PDGFRA):c.553G>A (p.Gly185Arg)

Gene: PDGFRA (platelet derived growth factor receptor alpha; plus strand). Cytogenetic location: 4q12.
Variant type: single nucleotide variant.
Coding change: c.553G>A on transcript NM_006206.6 (MANE Select); coding-DNA position 553, G replaced by A.
Protein change: p.Gly185Arg; replaces glycine 185 with arginine.
Molecular consequence: missense variant.
Genome position (GRCh38, 1-based): chr4:54,263,852, G>A. VCF-style: chr4-54263852-G-A. GRCh37 (hg19) VCF-style: chr4-55130019-G-A.
Other names: c.553G>A, p.Gly185Arg (NM_001347827.2, NM_001347829.2); c.628G>A, p.Gly210Arg (NM_001347828.2); c.592G>A, p.Gly198Arg (NM_001347830.2); short protein forms G185R, G210R, G198R.
Identifiers: ClinVar variation 3305480 (VCV003305480.3).

ClinVar aggregate classification (germline): Uncertain significance. Review status: criteria provided, multiple submitters, no conflicts (2 of 4 stars). 2 submissions from 2 submitters: Uncertain significance (2). Last evaluated 2025-10-13.

Conditions:
Hereditary cancer-predisposing syndrome. Also called: Neoplastic Syndromes, Hereditary; Tumor predisposition; Hereditary Cancer Syndrome; Hereditary neoplastic syndrome. Identifiers: Orphanet 140162, MedGen C0027672, MeSH D009386, MONDO:0015356.
Gastrointestinal stromal tumor. Also called: Gastrointestinal stromal tumor, somatic; Gastrointestinal stroma tumor. Identifiers: Orphanet 44890, MedGen C0238198, MeSH D046152, MONDO:0011719, OMIM 606764, HP:0100723.

Submissions (2):

Labcorp Genetics (formerly Invitae), Labcorp
Classification: Uncertain significance for Gastrointestinal stromal tumor. Last evaluated: 2025-10-13. Review status: criteria provided, single submitter. Criteria: Invitae Variant Classification Sherloc (09022015). Collection method: clinical testing. Allele origin: germline.
Comment: This sequence change replaces glycine, which is neutral and non-polar, with arginine, which is basic and polar, at codon 185 of the PDGFRA protein (p.Gly185Arg). This variant is not present in population databases (gnomAD no frequency). This variant has not been reported in the literature in individuals affected with PDGFRA-related conditions. ClinVar contains an entry for this variant (Variation ID: 3305480). An algorithm developed to predict the effect of missense changes on protein structure and function (PolyPhen-2) suggests that this variant is likely to be disruptive. In summary, the available evidence is currently insufficient to determine the role of this variant in disease. Therefore, it has been classified as a Variant of Uncertain Significance.

Ambry Genetics
Classification: Uncertain significance for Hereditary cancer-predisposing syndrome. Last evaluated: 2024-05-04. Review status: criteria provided, single submitter. Criteria: Ambry Variant Classification Scheme 2023. Collection method: clinical testing. Allele origin: germline.
Comment: The p.G185R variant (also known as c.553G>A), located in coding exon 3 of the PDGFRA gene, results from a G to A substitution at nucleotide position 553. The glycine at codon 185 is replaced by arginine, an amino acid with dissimilar properties. This amino acid position is conserved. In addition, the in silico prediction for this alteration is inconclusive. Based on the available evidence, the clinical significance of this variant remains unclear.